The following is an entry in ClinVar:

NM_003327.4(TNFRSF4):c.509del (p.Asp170fs)

Gene: TNFRSF4 (TNF receptor superfamily member 4; minus strand). Cytogenetic location: 1p36.33.
Variant type: Deletion.
Coding change: c.509del on transcript NM_003327.4 (MANE Select); coding-DNA position 509, one base deleted (A; older notation c.509delA).
Protein change: p.Asp170fs; shifts the reading frame from aspartic acid 170.
Molecular consequence: frameshift variant.
Genome position (GRCh38, 1-based): chr1:1,212,067, T deleted on the plus strand (A on the coding strand, the reverse complement: TNFRSF4 is on the minus strand). VCF-style (leftmost placement, unchanged base first): chr1-1212066-GT-G. GRCh37 (hg19) VCF-style: chr1-1147446-GT-G.
Other names: short protein forms D170fs.
Identifiers: ClinVar variation 1015210 (VCV001015210.7), dbSNP rs774777119, ClinGen allele CA512436.

ClinVar aggregate classification (germline): Uncertain significance. Review status: criteria provided, multiple submitters, no conflicts (2 of 4 stars). 2 submissions from 2 submitters: Uncertain significance (2). Last evaluated 2025-10-09.

Conditions:
Combined immunodeficiency due to OX40 deficiency. Also called: OX40 DEFICIENCY; Immunodeficiency 16. Identifiers: Orphanet 431149, MedGen C3810053, MONDO:0014268, OMIM 615593.

Allele frequency attached by ClinVar (database versions not stated): gnomAD 0.00003; ExAC 0.00004; gnomAD exomes 0.00004 and 0.00009; TOPMed 0.00005.

Submissions (2):

Labcorp Genetics (formerly Invitae), Labcorp
Classification: Uncertain significance for Combined immunodeficiency due to OX40 deficiency. Last evaluated: 2025-10-09. Review status: criteria provided, single submitter. Criteria: Invitae Variant Classification Sherloc (09022015). Collection method: clinical testing. Allele origin: germline.
Comment: This sequence change is expected to alter the c-terminus of the TNFRSF4 protein (p.Asp170Alafs*). While this is not anticipated to result in nonsense mediated decay, it is expected to disrupt the last 108 amino acids of the TNFRSF4 protein and extend the protein by an uncertain number of additional amino acids. This variant is present in population databases (rs774777119, gnomAD 0.008%). This variant has not been reported in the literature in individuals affected with TNFRSF4-related conditions. ClinVar contains an entry for this variant (Variation ID: 1015210). Experimental studies and prediction algorithms are not available or were not evaluated, and the functional significance of this variant is currently unknown. In summary, the available evidence is currently insufficient to determine the role of this variant in disease. Therefore, it has been classified as a Variant of Uncertain Significance.

Blueprint Genetics
Classification: Uncertain significance. Last evaluated: 2024-07-18. Review status: criteria provided, single submitter. Criteria: ACMG Guidelines, 2015. Collection method: clinical testing. Allele origin: germline.